The following is an entry in ClinVar:

NM_017763.6(RNF43):c.959A>G (p.Asp320Gly)

Gene: RNF43 (ring finger protein 43; minus strand). Cytogenetic location: 17q22.
Variant type: single nucleotide variant.
Coding change: c.959A>G on transcript NM_017763.6 (MANE Select); coding-DNA position 959, A replaced by G.
Protein change: p.Asp320Gly; replaces aspartic acid 320 with glycine.
Molecular consequence: missense variant.
Genome position (GRCh38, 1-based): chr17:58,358,817, T>C on the plus strand (A>G on the coding strand, the complement: RNF43 is on the minus strand). VCF-style: chr17-58358817-T-C. GRCh37 (hg19) VCF-style: chr17-56436178-T-C.
Other names: c.959A>G, p.Asp320Gly (NM_001305544.3); c.578A>G, p.Asp193Gly (NM_001305545.2); short protein forms D193G, D320G.
Identifiers: ClinVar variation 2883606 (VCV002883606.4), dbSNP rs2143428650, ClinGen allele CA400332528.
Genomic context (GRCh38, chr17:58,358,817, plus strand): 5'-TGGAGTCTTCGACCTGGTTCTTGGTAAGATCGAGAGGGTCCCAGGGACTGGGAAAATGAA[T>C]CTCCCTCTGGAAAAAAGAACCAAGAGCACAGATGTTTAACTCTACAAACCTACAGAGAAT-3'
Protein context (NP_060233.3, residues 310-330): PLCMFNITEG[Asp320Gly]SFSQSLGPSR

ClinVar aggregate classification (germline): Uncertain significance. Review status: criteria provided, multiple submitters, no conflicts (2 of 4 stars). 2 submissions from 2 submitters: Uncertain significance (2). Last evaluated 2025-07-23.

Submissions (2):

Labcorp Genetics (formerly Invitae), Labcorp
Classification: Uncertain significance. Last evaluated: 2025-07-23. Review status: criteria provided, single submitter. Criteria: Invitae Variant Classification Sherloc (09022015). Collection method: clinical testing. Allele origin: germline.
Comment: This sequence change replaces aspartic acid, which is acidic and polar, with glycine, which is neutral and non-polar, at codon 320 of the RNF43 protein (p.Asp320Gly). This variant is not present in population databases (gnomAD no frequency). This variant has not been reported in the literature in individuals affected with RNF43-related conditions. ClinVar contains an entry for this variant (Variation ID: 2883606). An algorithm developed to predict the effect of missense changes on protein structure and function (PolyPhen-2) suggests that this variant is likely to be tolerated. In summary, the available evidence is currently insufficient to determine the role of this variant in disease. Therefore, it has been classified as a Variant of Uncertain Significance.

Ambry Genetics
Classification: Uncertain significance. Last evaluated: 2025-03-17. Review status: criteria provided, single submitter. Criteria: Ambry Variant Classification Scheme 2023. Collection method: clinical testing. Allele origin: germline.
Comment: The p.D320G variant (also known as c.959A>G), located in coding exon 8 of the RNF43 gene, results from an A to G substitution at nucleotide position 959. The aspartic acid at codon 320 is replaced by glycine, an amino acid with similar properties. This amino acid position is conserved. In addition, this alteration is predicted to be tolerated by in silico analysis. Based on the available evidence, the clinical significance of this variant remains unclear.